The following is an entry in ClinVar:

ClinVar aggregate classification (germline): Pathogenic (1 of 4 stars; one submission).

Conditions:
Familial cancer of breast. Also called: BREAST CANCER, FAMILIAL; Hereditary breast cancer; hereditary breast carcinoma. Identifiers: Orphanet 227535, MedGen C0346153, MONDO:0016419, OMIM 114480. Disease mechanism: loss of function.

Submission:

Labcorp Genetics (formerly Invitae), Labcorp
Classification: Pathogenic for Familial cancer of breast. Last evaluated: 2024-09-15. Review status: criteria provided, single submitter. Criteria: Invitae Variant Classification Sherloc (09022015). Collection method: clinical testing. Allele origin: germline.
Comment: This sequence change inserts a large fragment of DNA, likely a transposable element, in exon 5 of the PALB2 gene (c.1937_1938ins?), causing a frameshift at codon 646 (p.Arg646fs). The exact size and sequence of the insertion cannot be determined by the current assay. However, the insertion is expected to result in an absent or disrupted protein product. This variant is not present in population databases (gnomAD no frequency). This variant has not been reported in the literature in individuals affected with PALB2-related conditions. Retrotransposon insertions including LINE1 (L1), Alu, and SVA (SINE-VNTR-Alu) have been reported to be disease-causing through disruption of either a coding region or splice site (PMID: 19763152, 20307669, 22406018) and loss-of-function variants in PALB2 are known to be pathogenic (PMID: 17200668, 17200671, 17200672, 24136930, 25099575). For these reasons, this variant has been classified as Pathogenic.

Literature cited by the submitters: PubMed 19763152; PubMed 20307669; PubMed 22406018; PubMed 17200668; PubMed 17200671; PubMed 17200672; PubMed 24136930; PubMed 25099575.

NM_024675.4(PALB2):c.1937_1938insGCCGGGCGCGGTGGCTCACGCCTGTAATCCCAGCACTTTGGGAGGCCGAGGCGGGTGGATCACGAGGTCANNNNNNNNNNAAAAAAAAAAAAAAAAAAAAAAAAATGTTTGGAGAGAG (p.His647fs)

Gene: PALB2 (partner and localizer of BRCA2; minus strand). Cytogenetic location: 16p12.2.
Variant type: Microsatellite.
Coding change: c.1937_1938insGCCGGGCGCGGTGGCTCACGCCTGTAATCCCAGCACTTTGGGAGGCCGAGGCGGGTGGATCACGAGGTCANNNNNNNNNNAAAAAAAAAAAAAAAAAAAAAAAAATGTTTGGAGAGAG on transcript NM_024675.4 (MANE Select); coding-DNA positions 1937 to 1938, GCCGGGCGCGGTGGCTCACGCCTGTAATCCCAGCACTTTGGGAGGCCGAGGCGGGTGGATCACGAGGTCANNNNNNNNNNAAAAAAAAAAAAAAAAAAAAAAAAATGTTTGGAGAGAG inserted.
Protein change: p.His647fs; shifts the reading frame from histidine 647.
Molecular consequence: frameshift variant. On other transcripts: intron variant (1).
Genome position: GRCh38: chr16:23,630,217-23,630,234. GRCh37 (hg19), VCF-style position (the base before the change): chr16:23,641,537.
Other names: c.1877_1878insGCCGGGCGCGGTGGCTCACGCCTGTAATCCCAGCACTTTGGGAGGCCGAGGCGGGTGGATCACGAGGTCANNNNNNNNNNAAAAAAAAAAAAAAAAAAAAAAAAATGTTTGGAGAGAG, p.His627fs (NM_001407296.1); c.1937_1938insGCCGGGCGCGGTGGCTCACGCCTGTAATCCCAGCACTTTGGGAGGCCGAGGCGGGTGGATCACGAGGTCANNNNNNNNNNAAAAAAAAAAAAAAAAAAAAAAAAATGTTTGGAGAGAG, p.His647fs (NM_001407297.1, NM_001407298.1, NM_001407299.1 and 3 more transcripts); c.1052_1053insGCCGGGCGCGGTGGCTCACGCCTGTAATCCCAGCACTTTGGGAGGCCGAGGCGGGTGGATCACGAGGTCANNNNNNNNNNAAAAAAAAAAAAAAAAAAAAAAAAATGTTTGGAGAGAG, p.His352fs (NM_001407304.1, NM_001407305.1, NM_001407306.1 and 5 more transcripts); c.149_150insGCCGGGCGCGGTGGCTCACGCCTGTAATCCCAGCACTTTGGGAGGCCGAGGCGGGTGGATCACGAGGTCANNNNNNNNNNAAAAAAAAAAAAAAAAAAAAAAAAATGTTTGGAGAGAG, p.His51fs (NM_001407312.1, NM_001407313.1); c.49-942_49-941insAAAAATGTTTGGAGAGAGGCCGGGCGCGGTGGCTCACGCCTGTAATCCCAGCACTTTGGGAGGCCGAGGCGGGTGGATCACGAGGTCANNNNNNNNNNAAAAAAAAAAAAAAAAAAAA (NM_001407314.1); short protein forms H352fs, H51fs, H627fs, H647fs.
Identifiers: ClinVar variation 3717301 (VCV003717301.2).